The following is an entry in ClinVar:

NC_000019.9:g.(?_35783063)_(35785194_35786288)dup

Gene: MAG (myelin associated glycoprotein; plus strand). Cytogenetic location: 19q13.12.
Variant type: Duplication.
Identifiers: ClinVar variation 4853601 (VCV004853601.1).

ClinVar aggregate classification (germline): Uncertain significance (1 of 4 stars; one submission).

Submission:

Women's Health and Genetics/Laboratory Corporation of America, LabCorp
Classification: Uncertain significance. Last evaluated: 2026-05-27. Review status: criteria provided, single submitter. Criteria: LabCorp Variant Classification Summary - May 2015. Collection method: clinical testing. Allele origin: germline.
Comment: Variant summary: The variant involves the duplication of exons 1-2 in the MAG gene. A presumed nomenclature of c.(?_-124)_(-24+1_-23-1)dup has been designated for the purposes of this classification. The exact breakpoint at the 5' end of this variant is unknown, therefore this duplication may extend upstream of the annotated region of this gene. It is predicted to duplicate a segment within the 5' UTR of the gene, therefore its impact on the encoded protein is unknown. The variant was absent in 21694 control chromosomes. To our knowledge, no occurrence of c.(?_-124)_(-24+1_-23-1)dup in individuals affected with MAG-related conditions and no experimental evidence demonstrating its impact on protein function have been reported. No submitters have cited clinical-significance assessments for this variant to ClinVar. Based on the evidence outlined above, the variant was classified as uncertain significance.